The following is an entry in ClinVar:

ClinVar aggregate classification (germline): Likely pathogenic. Review status: criteria provided, multiple submitters, no conflicts (2 of 4 stars). 3 submissions from 3 submitters: Likely pathogenic (2). 1 of the submissions does not count toward it. Last evaluated 2025-09-07.

Conditions:
Maple syrup urine disease type 1A (MSUD1A). Also called: MSUD type 1A. Identifiers: MedGen C1855369, MONDO:0023691, OMIM 248600.
Maple syrup urine disease type 1B (MSUD1B). Also called: MSUD type IB; MSUD type 3 (formerly); MSUD due to deficiency of e1-beta subunit of branched-chain alpha-keto acid dehydrogenase complex. Identifiers: MedGen C2930990, MONDO:0023692, OMIM 620698.

Submissions (3):

Natera, Inc.
Classification: Likely pathogenic for Maple syrup urine disease type 1B. Last evaluated: 2025-09-07. Review status: criteria provided, single submitter. Criteria: Natera Variant Classification Schema (03/2026). Collection method: clinical testing. Allele origin: germline.
Comment: The c.18_27del variant in BCKDHB is a frameshift variant predicted to shift the reading frame beginning at codon 7 and leads to a stop codon 62 codons downstream. This variant is expected to result in nonsense mediated decay, truncation, or a dysfunctional protein product. This variant is rare in the general population with a frequency below the threshold expected for the associated phenotype(s). Given the available evidence, this variant is classified as Likely Pathogenic.

Baylor Genetics
Classification: Likely pathogenic for Maple syrup urine disease type 1A. Last evaluated: 2024-02-06. Review status: criteria provided, single submitter. Criteria: ACMG Guidelines, 2015. Collection method: clinical testing. Allele origin: unknown.

Counsyl
Classification: Likely pathogenic for Maple syrup urine disease type 1A. Last evaluated: 2016-04-20. Review status: no assertion criteria provided. Collection method: clinical testing. Allele origin: unknown. Not counted in ClinVar's aggregate classification.

NM_183050.4(BCKDHB):c.18_27del (p.Ala7fs)

Gene: BCKDHB (branched chain keto acid dehydrogenase E1 subunit beta; plus strand). Cytogenetic location: 6q14.1.
Variant type: Deletion.
Coding change: c.18_27del on transcript NM_183050.4 (MANE Select); coding-DNA positions 18 to 27, 10 bases deleted (GGCTGCCGGC; older notation c.18_27delGGCTGCCGGC).
Protein change: p.Ala7fs; shifts the reading frame from alanine 7.
Molecular consequence: frameshift variant. On other transcripts: non-coding transcript variant (1), intron variant (1).
Genome position (GRCh38, 1-based): chr6:80,106,711-80,106,720, GGCTGCCGGC deleted; deleting any 10 consecutive bases within chr6:80,106,707-80,106,720 gives the same sequence; the c. name uses the placement nearest the transcript's 3' end. VCF-style (leftmost placement, unchanged base first): chr6-80106706-GCGGCGGCTGC-G. GRCh37 (hg19) VCF-style: chr6-80816423-GCGGCGGCTGC-G.
Other names: c.18_27del, p.Ala7fs (NM_000056.5); c.-15+28_-15+37del (NM_001318975.1); c.18_27del (NM_183050.3); short protein forms A7fs.
Identifiers: ClinVar variation 370805 (VCV000370805.6), dbSNP rs1057516781, ClinGen allele CA16041091.